The following is an entry in ClinVar:

NM_001037333.3(CYFIP2):c.2699T>A (p.Ile900Asn)

Gene: CYFIP2 (cytoplasmic FMR1 interacting protein 2; plus strand). Cytogenetic location: 5q33.3.
Variant type: single nucleotide variant.
Coding change: c.2699T>A on transcript NM_001037333.3 (MANE Select); coding-DNA position 2699, T replaced by A.
Protein change: p.Ile900Asn; replaces isoleucine 900 with asparagine.
Molecular consequence: missense variant.
Genome position (GRCh38, 1-based): chr5:157,359,030, T>A. VCF-style: chr5-157359030-T-A. GRCh37 (hg19) VCF-style: chr5-156786038-T-A.
Other names: c.2621T>A, p.Ile874Asn (NM_001291721.2); c.2774T>A, p.Ile925Asn (NM_001291722.2); c.2699T>A, p.Ile900Asn (NM_014376.4); c.2699T>A (NM_001037333.1); short protein forms I925N, I874N, I900N.
Identifiers: ClinVar variation 3644067 (VCV003644067.3).
Genomic context (GRCh38, chr5:157,359,030, plus strand): 5'-TCAGGCACTTATTTGCCACTACCTCTGTTTTCCAGCCTCTCAACATTGCCTACAGCCACA[T>A]CTACAGCTCCTACAGGAATTTCGTGGGGCCACCTCATTTCAAGACTATCTGCAGACTCCT-3'
Protein context (NP_001032410.1, residues 890-910): SKPLNIAYSH[Ile900Asn]YSSYRNFVGP

ClinVar aggregate classification (germline): Uncertain significance. Review status: criteria provided, multiple submitters, no conflicts (2 of 4 stars). 2 submissions from 2 submitters: Uncertain significance (2). Last evaluated 2025-08-08.

Conditions:
Inborn genetic diseases. Identifiers: MedGen C0950123, MeSH D030342.

gnomAD v4.1: 1 of 1,613,874 alleles (0.000062%); highest among the groups gnomAD compares: African/African-American, 0.0013%; no homozygotes.

Submissions (2):

Ambry Genetics
Classification: Uncertain significance for Inborn genetic diseases. Last evaluated: 2025-08-08. Review status: criteria provided, single submitter. Criteria: Ambry Variant Classification Scheme 2023. Collection method: clinical testing. Allele origin: germline.

Labcorp Genetics (formerly Invitae), Labcorp
Classification: Uncertain significance. Last evaluated: 2024-03-02. Review status: criteria provided, single submitter. Criteria: Invitae Variant Classification Sherloc (09022015). Collection method: clinical testing. Allele origin: germline.
Comment: This sequence change replaces isoleucine, which is neutral and non-polar, with asparagine, which is neutral and polar, at codon 900 of the CYFIP2 protein (p.Ile900Asn). This variant is present in population databases (no rsID available, gnomAD 0.01%). This variant has not been reported in the literature in individuals affected with CYFIP2-related conditions. Experimental studies and prediction algorithms are not available or were not evaluated, and the functional significance of this variant is currently unknown. In summary, the available evidence is currently insufficient to determine the role of this variant in disease. Therefore, it has been classified as a Variant of Uncertain Significance.